The following is an entry in ClinVar:

NM_000342.4(SLC4A1):c.722T>A (p.Val241Glu)

Gene: SLC4A1 (solute carrier family 4 member 1 (Diego blood group); minus strand). Cytogenetic location: 17q21.31.
Variant type: single nucleotide variant.
Coding change: c.722T>A on transcript NM_000342.4 (MANE Select); coding-DNA position 722, T replaced by A.
Protein change: p.Val241Glu; replaces valine 241 with glutamic acid.
Molecular consequence: missense variant.
Genome position (GRCh38, 1-based): chr17:44,259,317, A>T on the plus strand (T>A on the coding strand, the complement: SLC4A1 is on the minus strand). VCF-style: chr17-44259317-A-T. GRCh37 (hg19) VCF-style: chr17-42336685-A-T.
Other names: short protein forms V241E.
Identifiers: ClinVar variation 3338411 (VCV003338411.1).

ClinVar aggregate classification (germline): Uncertain significance (1 of 4 stars; one submission).

Conditions:
Autosomal dominant distal renal tubular acidosis (DRTA1). Also called: RTA, CLASSIC TYPE; RTA, DISTAL TYPE, AUTOSOMAL DOMINANT; RTA, GRADIENT TYPE; RENAL TUBULAR ACIDOSIS, DISTAL, 1; Renal Tubular Acidosis, Type I. Identifiers: Orphanet 93608, MedGen CN280572, MONDO:0008368, OMIM 179800.

Submission:

MVZ Medizinische Genetik Mainz
Classification: Uncertain significance for Autosomal dominant distal renal tubular acidosis. Last evaluated: 2024-08-14. Review status: criteria provided, single submitter. Criteria: UK Practice Guidelines For Variant Classification V4 01 2020. Collection method: clinical testing. Allele origin: germline. Inheritance: Autosomal dominant inheritance. Affected: yes. Observed: 1 variant allele.
Comment: ACMG Criteria: PM2_SUP,PP4